The following is an entry in ClinVar:

NM_001083619.3(GRIA2):c.935G>A (p.Arg312His)

Gene: GRIA2 (glutamate ionotropic receptor AMPA type subunit 2; plus strand). Cytogenetic location: 4q32.1.
Variant type: single nucleotide variant.
Coding change: c.935G>A on transcript NM_001083619.3 (MANE Select); coding-DNA position 935, G replaced by A.
Protein change: p.Arg312His; replaces arginine 312 with histidine.
Molecular consequence: missense variant.
Genome position (GRCh38, 1-based): chr4:157,332,871, G>A. VCF-style: chr4-157332871-G-A. GRCh37 (hg19) VCF-style: chr4-158254023-G-A.
Other names: c.935G>A, p.Arg312His (NM_000826.6); c.794G>A, p.Arg265His (NM_001083620.3, NM_001379000.3, NM_001379001.3); short protein forms R265H, R312H.
Identifiers: ClinVar variation 5020777 (VCV005020777.1).

ClinVar aggregate classification (germline): Uncertain significance (1 of 4 stars; one submission).

gnomAD v4.1: 39 of 1,612,308 alleles (0.0024%); highest among the groups gnomAD compares: Non-Finnish European, 0.0032%; no homozygotes.

Submission:

Dasa
Classification: Uncertain significance. Last evaluated: 2026-08-03. Review status: criteria provided, single submitter. Criteria: DASA Assertion Criteria. Collection method: clinical testing. Allele origin: germline.
Comment: NM_001083619.3(GRIA2):c.935G>A (p.Arg312His) is a missense variant that results in the substitution of arginine with histidine. This variant is rare in population databases. The currently available literature and clinical evidence are not sufficient to establish a definitive association between this variant and the reported condition. Therefore, this variant is classified as a variant of uncertain significance.